The following is an entry in ClinVar:

ClinVar aggregate classification (germline): Uncertain significance. Review status: criteria provided, multiple submitters, no conflicts (2 of 4 stars). 2 submissions from 2 submitters: Uncertain significance (2). Last evaluated 2024-10-29.

Conditions:
Hereditary cancer-predisposing syndrome. Also called: Neoplastic Syndromes, Hereditary; Tumor predisposition; Hereditary Cancer Syndrome; Hereditary neoplastic syndrome. Identifiers: Orphanet 140162, MedGen C0027672, MeSH D009386, MONDO:0015356.
BAP1-related tumor predisposition syndrome (TPDS1). Also called: Tumor susceptibility linked to germline BAP1 mutations; COMMON Syndrome; TUMOR PREDISPOSITION SYNDROME 1; BAP1 tumor predisposition syndrome. Identifiers: Orphanet 289539, MedGen C3280492, MONDO:0013692, OMIM 614327.

Submissions (2):

Labcorp Genetics (formerly Invitae), Labcorp
Classification: Uncertain significance for BAP1-related tumor predisposition syndrome. Last evaluated: 2024-10-29. Review status: criteria provided, single submitter. Criteria: Invitae Variant Classification Sherloc (09022015). Collection method: clinical testing. Allele origin: germline.
Comment: This sequence change replaces glycine, which is neutral and non-polar, with valine, which is neutral and non-polar, at codon 424 of the BAP1 protein (p.Gly424Val). This variant is not present in population databases (gnomAD no frequency). This variant has not been reported in the literature in individuals affected with BAP1-related conditions. ClinVar contains an entry for this variant (Variation ID: 1765612). Invitae Evidence Modeling of protein sequence and biophysical properties (such as structural, functional, and spatial information, amino acid conservation, physicochemical variation, residue mobility, and thermodynamic stability) indicates that this missense variant is not expected to disrupt BAP1 protein function with a negative predictive value of 80%. In summary, the available evidence is currently insufficient to determine the role of this variant in disease. Therefore, it has been classified as a Variant of Uncertain Significance.

Ambry Genetics
Classification: Uncertain significance for Hereditary cancer-predisposing syndrome. Last evaluated: 2022-03-14. Review status: criteria provided, single submitter. Criteria: Ambry Variant Classification Scheme 2023. Collection method: clinical testing. Allele origin: germline.
Comment: The p.G424V variant (also known as c.1271G>T), located in coding exon 13 of the BAP1 gene, results from a G to T substitution at nucleotide position 1271. The glycine at codon 424 is replaced by valine, an amino acid with dissimilar properties. This amino acid position is conserved. In addition, this alteration is predicted to be tolerated by in silico analysis. Since supporting evidence is limited at this time, the clinical significance of this alteration remains unclear.

NM_004656.4(BAP1):c.1271G>T (p.Gly424Val)

Gene: BAP1 (BRCA1 associated deubiquitinase 1; minus strand). Cytogenetic location: 3p21.1.
Variant type: single nucleotide variant.
Coding change: c.1271G>T on transcript NM_004656.4 (MANE Select); coding-DNA position 1271, G replaced by T.
Protein change: p.Gly424Val; replaces glycine 424 with valine.
Molecular consequence: missense variant.
Genome position (GRCh38, 1-based): chr3:52,403,874, C>A on the plus strand (G>T on the coding strand, the complement: BAP1 is on the minus strand). VCF-style: chr3-52403874-C-A. GRCh37 (hg19) VCF-style: chr3-52437890-C-A.
Other names: c.1217G>T, p.Gly406Val (NM_001410772.1); short protein forms G406V, G424V.
Identifiers: ClinVar variation 1765612 (VCV001765612.7), dbSNP rs1437648704, ClinGen allele CA353102425.